The following is an entry in ClinVar:

NM_007294.4(BRCA1):c.5194-1_5197delinsTATT

Gene: BRCA1 (BRCA1 DNA repair associated; minus strand). Cytogenetic location: 17q21.31.
Variant type: Indel.
Coding change: c.5194-1_5197delinsTATT on transcript NM_007294.4 (MANE Select); the canonical splice acceptor site of the intron before coding-DNA position 5194 through coding-DNA position 5197, GCATG replaced by TATT.
Molecular consequence: splice acceptor variant.
Genome position (GRCh38, 1-based): chr17:43,057,132-43,057,136, CATGC replaced by AATA on the plus strand (GCATG replaced by TATT on the coding strand, the reverse complement: BRCA1 is on the minus strand). VCF-style: chr17-43057132-CATGC-AATA. GRCh37 (hg19) VCF-style: chr17-41209149-CATGC-AATA.
Other names: c.1741-1_1744delinsTATT (NM_001408458.1, NM_001408461.1, NM_001408464.1 and 7 more transcripts); c.4303-1_4306delinsTATT (NM_001407967.1); c.4813-1_4816delinsTATT (NM_001407959.1); c.4927-1_4930delinsTATT (NM_001407931.1, NM_001407932.1, NM_001407928.1 and 4 more transcripts); c.5050-1_5053delinsTATT (NM_001407747.1, NM_001407745.1, NM_001407737.1 and 21 more transcripts); c.4810-1_4813delinsTATT (NM_001407962.1, NM_001407960.1); c.1381-1_1384delinsTATT (NM_001408512.1); c.1504-1_1507delinsTATT (NM_001408510.1); and 72 more.
Identifiers: ClinVar variation 462665 (VCV000462665.2), dbSNP rs1555576990, ClinGen allele CA658656666.

ClinVar aggregate classification (germline): Pathogenic (1 of 4 stars; one submission).

Conditions:
Hereditary breast ovarian cancer syndrome. Also called: Hereditary breast and ovarian cancer syndrome (HBOC); Hereditary breast and ovarian cancer syndrome; Breast and ovarian cancer; Hereditary breast and/or ovarian cancer syndrome; Hereditary breast and ovarian cancer; BRCA1- and BRCA2-Associated Hereditary Breast and Ovarian Cancer. Identifiers: Orphanet 145, MedGen C0677776, MeSH D061325, MONDO:0003582. Disease mechanism: loss of function.

Submission:

Labcorp Genetics (formerly Invitae), Labcorp
Classification: Pathogenic for Hereditary breast ovarian cancer syndrome. Last evaluated: 2017-02-06. Review status: criteria provided, single submitter. Criteria: Invitae Variant Classification Sherloc (09022015). Collection method: clinical testing. Allele origin: germline.
Comment: This sequence change affects an acceptor splice site in intron 18 of the BRCA1 gene. It is expected to disrupt RNA splicing and likely results in an absent or disrupted protein product. While this particular variant has not been reported in the literature, loss-of-function variants in BRCA1 are known to be pathogenic (PMID: 20104584). An experimental study has shown that a different variant that has a similar effect on the splice acceptor (c.5194-1G>T, also known as IVS19-1G>T) either results in utilization of a cryptic splice site 13 nucleotides into exon 19 (called exon 20 in the paper), or in skipping of exon 19 completely (PMID: 23239986). For these reasons, this variant has been classified as Pathogenic.